The following is an entry in ClinVar:

ClinVar aggregate classification (germline): Pathogenic (1 of 4 stars; one submission).

Conditions:
Duchenne muscular dystrophy (DMD). Also called: Duchenne Muscular Dystrophy (DMD); MUSCULAR DYSTROPHY, PSEUDOHYPERTROPHIC PROGRESSIVE, DUCHENNE TYPE. Identifiers: Orphanet 98896, MedGen C0013264, MONDO:0010679, OMIM 310200.

Submission:

Labcorp Genetics (formerly Invitae), Labcorp
Classification: Pathogenic for Duchenne muscular dystrophy. Last evaluated: 2017-12-14. Review status: criteria provided, single submitter. Criteria: Invitae Variant Classification Sherloc (09022015). Collection method: clinical testing. Allele origin: germline.
Comment: This variant is a gross deletion of the genomic region encompassing exons 1-18 of the DMD gene, which includes the initiator codon. The 5' end of this event is unknown as it extends beyond the assayed region for this gene and therefore may encompass additional genes. The 3' boundary is likely confined to intron 18 of the DMD gene. This is expected to result in an absent or disrupted protein product. Deletions of exons 1-18 have been reported in several individuals affected with DMD-related disorders (PMID: 21150048,17124406). Loss-of-function variants in DMD are known to be pathogenic (PMID: 16770791, 25007885). For these reasons, this variant has been classified as Pathogenic.

Literature cited by the submitters: PubMed 17124406; PubMed 21150048.

NC_000023.11:g.(?_32517988)_(33339285_?)del

Genes: DMD (dystrophin; minus strand), MIR3915 (microRNA 3915; minus strand), MIR548F5 (microRNA 548f-5; minus strand). Cytogenetic location: Xp21.1.
Variant type: Deletion.
Identifiers: ClinVar variation 526176 (VCV000526176.1).